The following is an entry in ClinVar:

ClinVar aggregate classification (germline): Uncertain significance (1 of 4 stars; one submission).

Submission:

CeGaT Center for Human Genetics Tuebingen
Classification: Uncertain significance. Last evaluated: 2024-12-01. Review status: criteria provided, single submitter. Criteria: CeGaT Center For Human Genetics Tuebingen Variant Classification Criteria Version 2. Collection method: clinical testing. Allele origin: germline. Affected: yes. Observed: 1 variant allele.
Comment: SLC12A2: PM2

NM_001046.3(SLC12A2):c.3032C>G (p.Ala1011Gly)

Gene: SLC12A2 (solute carrier family 12 member 2; plus strand). Cytogenetic location: 5q23.3.
Variant type: single nucleotide variant.
Coding change: c.3032C>G on transcript NM_001046.3 (MANE Select); coding-DNA position 3032, C replaced by G.
Protein change: p.Ala1011Gly; replaces alanine 1011 with glycine.
Molecular consequence: missense variant. On other transcripts: non-coding transcript variant (1).
Genome position (GRCh38, 1-based): chr5:128,178,621, C>G. VCF-style: chr5-128178621-C-G. GRCh37 (hg19) VCF-style: chr5-127514313-C-G.
Other names: c.2984C>G, p.Ala995Gly (NM_001256461.2); short protein forms A1011G, A995G.
Identifiers: ClinVar variation 3772095 (VCV003772095.13).